The following is an entry in ClinVar:

ClinVar aggregate classification (germline): Benign/Likely benign. Review status: criteria provided, multiple submitters, no conflicts (2 of 4 stars). 6 submissions from 6 submitters: Benign (2); Likely benign (4). Last evaluated 2026-02-01.

Conditions:
Neurofibromatosis, type 1 (NF1). Also called: VON RECKLINGHAUSEN DISEASE; NEUROFIBROMATOSIS, TYPE I, SOMATIC; Peripheral type neurofibromatosis; Neurofibromatosis, type I. Identifiers: Orphanet 636, MedGen C0027831, MONDO:0018975, OMIM 162200. Disease mechanism: loss of function.
Hereditary cancer-predisposing syndrome. Also called: Hereditary Cancer Syndrome; Tumor predisposition; Hereditary neoplastic syndrome; Neoplastic Syndromes, Hereditary. Identifiers: Orphanet 140162, MedGen C0027672, MeSH D009386, MONDO:0015356.
Cardiovascular phenotype. Identifiers: MedGen CN230736.

Allele frequency attached by ClinVar (database versions not stated): gnomAD exomes 0.00005 and 0.00014; ExAC 0.00020; 1000 Genomes Project 30x 0.00047; gnomAD 0.00052 and 0.00058; 1000 Genomes Project 0.00060; ESP Exome Variant Server 0.00062; TOPMed 0.00062.
gnomAD v4.1: 151 of 1,614,128 alleles (0.0094%); highest among the groups gnomAD compares: African/African-American, 0.18%; no homozygotes.

Submissions (6):

Labcorp Genetics (formerly Invitae), Labcorp
Classification: Benign for Neurofibromatosis, type 1. Last evaluated: 2026-02-01. Review status: criteria provided, single submitter. Criteria: Invitae Variant Classification Sherloc (09022015). Collection method: clinical testing. Allele origin: germline.

ARUP Laboratories, Molecular Genetics and Genomics, ARUP Laboratories
Classification: Likely benign. Last evaluated: 2025-03-27. Review status: criteria provided, single submitter. Criteria: ARUP Molecular Germline Variant Investigation Process 2024. Collection method: clinical testing. Allele origin: germline.

Blueprint Genetics
Classification: Likely benign. Last evaluated: 2024-04-05. Review status: criteria provided, single submitter. Criteria: ACMG Guidelines, 2015. Collection method: clinical testing. Allele origin: germline.

Genome-Nilou Lab
Classification: Benign for Neurofibromatosis, type 1. Last evaluated: 2022-03-15. Review status: criteria provided, single submitter. Criteria: ACMG Guidelines, 2015. Collection method: clinical testing. Allele origin: germline. Affected: no.

GeneDx
Classification: Likely benign. Last evaluated: 2017-05-10. Review status: criteria provided, single submitter. Criteria: GeneDx Variant Classification (06012015). Collection method: clinical testing. Allele origin: germline. Affected: yes.
Comment: This variant is considered likely benign or benign based on one or more of the following criteria: it is a conservative change, it occurs at a poorly conserved position in the protein, it is predicted to be benign by multiple in silico algorithms, and/or has population frequency not consistent with disease.

Ambry Genetics
Classification: Likely benign for Cardiovascular phenotype; Hereditary cancer-predisposing syndrome. Last evaluated: 2015-04-14. Review status: criteria provided, single submitter. Criteria: Ambry Variant Classification Scheme 2023. Collection method: clinical testing. Allele origin: germline.

NM_001042492.3(NF1):c.6147+11T>C

Gene: NF1 (neurofibromin 1; plus strand). Cytogenetic location: 17q11.2.
Variant type: single nucleotide variant.
Coding change: c.6147+11T>C on transcript NM_001042492.3 (MANE Select); 11 bases into the intron after coding-DNA position 6147, T replaced by C.
Molecular consequence: intron variant.
Genome position (GRCh38, 1-based): chr17:31,336,484, T>C. VCF-style: chr17-31336484-T-C. GRCh37 (hg19) VCF-style: chr17-29663502-T-C.
Other names: c.6084+11T>C (NM_000267.4).
Identifiers: ClinVar variation 509554 (VCV000509554.12), dbSNP rs201275748, ClinGen allele CA8487298.
Genomic context (GRCh38, chr17:31,336,484, plus strand): 5'-ATACTGCTGTAGCTTTGGCTTCTGGAAATGTGAAATTGGTTTCAAGCAAGGTAATCACTT[T>C]TCTTTTGCCTTCTGTACTATAGCATATCTGTTTTATCATCAGGAGGTTTTTTGTTTTGTA-3'